The following is an entry in ClinVar:

NM_172362.3(KCNH1):c.2794G>A (p.Glu932Lys)

Gene: KCNH1 (potassium voltage-gated channel subfamily H member 1; minus strand). Cytogenetic location: 1q32.2.
Variant type: single nucleotide variant.
Coding change: c.2794G>A on transcript NM_172362.3 (MANE Select); coding-DNA position 2794, G replaced by A.
Protein change: p.Glu932Lys; replaces glutamic acid 932 with lysine.
Molecular consequence: missense variant.
Genome position (GRCh38, 1-based): chr1:210,683,457, C>T on the plus strand (G>A on the coding strand, the complement: KCNH1 is on the minus strand). VCF-style: chr1-210683457-C-T. GRCh37 (hg19) VCF-style: chr1-210856799-C-T.
Other names: c.2713G>A, p.Glu905Lys (NM_002238.4); c.2794G>A (NM_172362.2); short protein forms E905K, E932K.
Identifiers: ClinVar variation 1436564 (VCV001436564.9), dbSNP rs370643808, ClinGen allele CA37111546.
Genomic context (GRCh38, chr1:210,683,457, plus strand): 5'-AGAGCTGTTTCTCAATATTGGTCATTTTGGCGTTTAAGGCCTTGATGTCCTCCTTCAGCT[C>T]GTGCCTCACCTCCAGGACTGTGGCCTGCAGCGTCTGCTCAGGGATGGGGTAGAACGAATG-3'
Protein context (NP_758872.1, residues 922-942): LQATVLEVRH[Glu932Lys]LKEDIKALNA

ClinVar aggregate classification (germline): Uncertain significance. Review status: criteria provided, multiple submitters, no conflicts (2 of 4 stars). 2 submissions from 2 submitters: Uncertain significance (2). Last evaluated 2025-12-26.

Conditions:
Inborn genetic diseases. Identifiers: MedGen C0950123, MeSH D030342.

Allele frequency attached by ClinVar (database versions not stated): gnomAD exomes 0.00001; ESP Exome Variant Server 0.00008.
gnomAD v4.1: 15 of 1,613,998 alleles (0.00093%); highest among the groups gnomAD compares: Admixed American, 0.0017%; no homozygotes.

Submissions (2):

Labcorp Genetics (formerly Invitae), Labcorp
Classification: Uncertain significance. Last evaluated: 2025-12-26. Review status: criteria provided, single submitter. Criteria: Invitae Variant Classification Sherloc (09022015). Collection method: clinical testing. Allele origin: germline.
Comment: This sequence change replaces glutamic acid, which is acidic and polar, with lysine, which is basic and polar, at codon 932 of the KCNH1 protein (p.Glu932Lys). This variant is present in population databases (rs370643808, gnomAD 0.01%). This variant has not been reported in the literature in individuals affected with KCNH1-related conditions. This missense change has been observed in at least one individual who was not affected with KCNH1-related conditions (internal data). ClinVar contains an entry for this variant (Variation ID: 1436564). Invitae Evidence Modeling of protein sequence and biophysical properties (such as structural, functional, and spatial information, amino acid conservation, physicochemical variation, residue mobility, and thermodynamic stability) has been performed for this missense variant. However, the output from this modeling did not meet the statistical confidence thresholds required to predict the impact of this variant on KCNH1 protein function. In summary, the available evidence is currently insufficient to determine the role of this variant in disease. Therefore, it has been classified as a Variant of Uncertain Significance.

Ambry Genetics
Classification: Uncertain significance for Inborn genetic diseases. Last evaluated: 2024-12-23. Review status: criteria provided, single submitter. Criteria: Ambry Variant Classification Scheme 2023. Collection method: clinical testing. Allele origin: germline.